The following is an entry in ClinVar:

NM_032043.3(BRIP1):c.1936-7A>T

Gene: BRIP1 (BRCA1 interacting DNA helicase 1; minus strand). Cytogenetic location: 17q23.2.
Variant type: single nucleotide variant.
Coding change: c.1936-7A>T on transcript NM_032043.3 (MANE Select); 7 bases into the intron before coding-DNA position 1936, A replaced by T.
Molecular consequence: intron variant.
Genome position (GRCh38, 1-based): chr17:61,776,569, T>A on the plus strand (A>T on the coding strand, the complement: BRIP1 is on the minus strand). VCF-style: chr17-61776569-T-A. GRCh37 (hg19) VCF-style: chr17-59853930-T-A.
Identifiers: ClinVar variation 759624 (VCV000759624.15), dbSNP rs1427111542, ClinGen allele CA773832079.

ClinVar aggregate classification (germline): Likely benign. Review status: criteria provided, multiple submitters, no conflicts (2 of 4 stars). 3 submissions from 3 submitters: Likely benign (3). Last evaluated 2025-12-08.

Conditions:
Fanconi anemia complementation group J. Also called: BRIP1-Related Fanconi Anemia. Identifiers: Orphanet 84, MedGen C1836860, MONDO:0012187, OMIM 609054.
Familial cancer of breast. Also called: Hereditary breast cancer; BREAST CANCER, FAMILIAL; hereditary breast carcinoma. Identifiers: Orphanet 227535, MedGen C0346153, MONDO:0016419, OMIM 114480. Disease mechanism: loss of function.

Allele frequency attached by ClinVar (database versions not stated): TOPMed below 0.00001; gnomAD 0.00001.
gnomAD v4.1: 1 of 1,613,406 alleles (0.000062%); highest among the groups gnomAD compares: African/African-American, 0.0013%; no homozygotes.

Submissions (3):

Labcorp Genetics (formerly Invitae), Labcorp
Classification: Likely benign for Familial cancer of breast; Fanconi anemia complementation group J. Last evaluated: 2025-12-08. Review status: criteria provided, single submitter. Criteria: Invitae Variant Classification Sherloc (09022015). Collection method: clinical testing. Allele origin: germline.

Women's Health and Genetics/Laboratory Corporation of America, LabCorp
Classification: Likely benign. Last evaluated: 2025-04-16. Review status: criteria provided, single submitter. Criteria: LabCorp Variant Classification Summary - May 2015. Collection method: clinical testing. Allele origin: germline.

Myriad Genetics, Inc.
Classification: Likely benign for Familial cancer of breast. Last evaluated: 2024-08-30. Review status: criteria provided, single submitter. Criteria: Myriad Autosomal Dominant, Autosomal Recessive and X-Linked Classification Criteria (2023). Collection method: clinical testing. Allele origin: unknown.
Comment: This variant is considered likely benign. This variant is intronic and is not expected to impact mRNA splicing.